The following is an entry in ClinVar:

NM_021828.5(HPSE2):c.1618G>C (p.Val540Leu)

Gene: HPSE2 (heparanase 2 (inactive); minus strand). Cytogenetic location: 10q24.2.
Variant type: single nucleotide variant.
Coding change: c.1618G>C on transcript NM_021828.5 (MANE Select); coding-DNA position 1618, G replaced by C.
Protein change: p.Val540Leu; replaces valine 540 with leucine.
Molecular consequence: missense variant. On other transcripts: 3 prime UTR variant (1).
Genome position (GRCh38, 1-based): chr10:98,459,735, C>G on the plus strand (G>C on the coding strand, the complement: HPSE2 is on the minus strand). VCF-style: chr10-98459735-C-G. GRCh37 (hg19) VCF-style: chr10-100219492-C-G.
Other names: c.1444G>C, p.Val482Leu (NM_001166244.1); c.1282G>C, p.Val428Leu (NM_001166245.1); c.*41G>C (NM_001166246.1); short protein forms V428L, V482L, V540L.
Identifiers: ClinVar variation 715582 (VCV000715582.33), dbSNP rs140066668, ClinGen allele CA5639609.

ClinVar aggregate classification (germline): Benign/Likely benign. Review status: criteria provided, multiple submitters, no conflicts (2 of 4 stars). 3 submissions from 3 submitters: Benign (2); Likely benign (1). Last evaluated 2025-12-25.

Allele frequency attached by ClinVar (database versions not stated): 1000 Genomes Project 0.00140; 1000 Genomes Project 30x 0.00172; TOPMed 0.00248; gnomAD 0.00259 and 0.00260; ESP Exome Variant Server 0.00338.
gnomAD v4.1: 5,987 of 1,613,166 alleles (0.37%); highest among the groups gnomAD compares: Non-Finnish European, 0.42%; 18 homozygotes.

Submissions (3):

Labcorp Genetics (formerly Invitae), Labcorp
Classification: Benign. Last evaluated: 2025-12-25. Review status: criteria provided, single submitter. Criteria: Invitae Variant Classification Sherloc (09022015). Collection method: clinical testing. Allele origin: germline.

CeGaT Center for Human Genetics Tuebingen
Classification: Likely benign. Last evaluated: 2023-04-01. Review status: criteria provided, single submitter. Criteria: CeGaT Center For Human Genetics Tuebingen Variant Classification Criteria Version 2. Collection method: clinical testing. Allele origin: germline. Affected: yes. Observed: 1 variant allele.
Comment: HPSE2: BS2

Breakthrough Genomics
Classification: Benign. Review status: criteria provided, single submitter. Criteria: ACMG Guidelines, 2015. Collection method: not provided. Allele origin: germline. Inheritance: Autosomal recessive inheritance. Affected: yes.